The following is an entry in ClinVar:

NM_001846.4(COL4A2):c.4089_4090delinsAT (p.Val1364Leu)

Genes: COL4A2 (collagen type IV alpha 2 chain; plus strand), COL4A2-AS1 (COL4A2 antisense RNA 1; minus strand). Cytogenetic location: 13q34.
Variant type: Indel.
Coding change: c.4089_4090delinsAT on transcript NM_001846.4 (MANE Select); coding-DNA positions 4089 to 4090, GG replaced by AT.
Protein change: p.Val1364Leu; replaces valine 1364 with leucine.
Molecular consequence: missense variant.
Genome position (GRCh38, 1-based): chr13:110,503,432-110,503,433, GG replaced by AT. VCF-style: chr13-110503432-GG-AT. GRCh37 (hg19) VCF-style: chr13-111155779-GG-AT.
Other names: short protein forms V1364L.
Identifiers: ClinVar variation 1405593 (VCV001405593.6), dbSNP rs2139552619, ClinGen allele CA2573149456.

ClinVar aggregate classification (germline): Uncertain significance (1 of 4 stars; one submission).

Submission:

Labcorp Genetics (formerly Invitae), Labcorp
Classification: Uncertain significance. Last evaluated: 2023-07-17. Review status: criteria provided, single submitter. Criteria: Invitae Variant Classification Sherloc (09022015). Collection method: clinical testing. Allele origin: germline.
Comment: In summary, the available evidence is currently insufficient to determine the role of this variant in disease. Therefore, it has been classified as a Variant of Uncertain Significance. Experimental studies and prediction algorithms are not available or were not evaluated, and the functional significance of this variant is currently unknown. ClinVar contains an entry for this variant (Variation ID: 1405593). This variant has not been reported in the literature in individuals affected with COL4A2-related conditions. Information on the frequency of this variant in the gnomAD database is not available, as this variant may be reported differently in the database. This sequence change replaces valine, which is neutral and non-polar, with leucine, which is neutral and non-polar, at codon 1364 of the COL4A2 protein (p.Val1364Leu).